The following is an entry in ClinVar:

ClinVar aggregate classification (germline): Likely benign. Review status: criteria provided, multiple submitters, no conflicts (2 of 4 stars). 2 submissions from 2 submitters: Likely benign (2). Last evaluated 2018-07-26.

Conditions:
Neuronal ceroid lipofuscinosis 5 (CLN5). Also called: CEROID LIPOFUSCINOSIS, NEURONAL, 5, VARIABLE AGE AT ONSET; Neuronal ceroid lipofuscinosis Finnish variant; NEURONAL CEROID LIPOFUSCINOSIS, LATE INFANTILE, FINNISH VARIANT; CLN5-Related Neuronal Ceroid-Lipofuscinosis. Identifiers: Orphanet 168491, Orphanet 228360, MedGen C1850442, MONDO:0009745, OMIM 256731.

Allele frequency attached by ClinVar (database versions not stated): 1000 Genomes Project 0.00499; 1000 Genomes Project 30x 0.00500; gnomAD 0.00512 and 0.00556; TOPMed 0.00527.

Submissions (2):

GeneDx
Classification: Likely benign. Last evaluated: 2018-07-26. Review status: criteria provided, single submitter. Criteria: GeneDx Variant Classification Process June 2021. Collection method: clinical testing. Allele origin: germline. Affected: yes.

Illumina Laboratory Services, Illumina
Classification: Likely benign for Neuronal ceroid lipofuscinosis 5. Last evaluated: 2018-01-12. Review status: criteria provided, single submitter. Criteria: ICSL Variant Classification Criteria 13 December 2019. Collection method: clinical testing. Allele origin: germline.
Comment: This variant was observed in the ICSL laboratory as part of a predisposition screen in an ostensibly healthy population. It had not been previously curated by ICSL or reported in the Human Gene Mutation Database (HGMD: prior to June 1st, 2018), and was therefore a candidate for classification through an automated scoring system. Utilizing variant allele frequency, disease prevalence and penetrance estimates, and inheritance mode, an automated score was calculated to assess if this variant is too frequent to cause the disease. Based on the score and internal cut-off values, a variant classified as likely benign is not then subjected to further curation. The score for this variant resulted in a classification of likely benign for this disease.

NM_006493.4(CLN5):c.*180C>T

Gene: CLN5 (CLN5 lysosomal BMP synthase; plus strand). Cytogenetic location: 13q22.3.
Variant type: single nucleotide variant.
Coding change: c.*180C>T on transcript NM_006493.4 (MANE Select); 180 bases downstream of the stop codon, C replaced by T.
Molecular consequence: 3 prime UTR variant.
Genome position (GRCh38, 1-based): chr13:77,001,149, C>T. VCF-style: chr13-77001149-C-T. GRCh37 (hg19) VCF-style: chr13-77575284-C-T.
Other names: c.*180C>T (LRG_692t1); c.*706C>T (NM_001366624.2).
Identifiers: ClinVar variation 312433 (VCV000312433.8), dbSNP rs700364, ClinGen allele CA10634506.